The following is an entry in ClinVar:

NM_020458.4(TTC7A):c.1588A>G (p.Ser530Gly)

Gene: TTC7A (tetratricopeptide repeat domain 7A; plus strand). Cytogenetic location: 2p21.
Variant type: single nucleotide variant.
Coding change: c.1588A>G on transcript NM_020458.4 (MANE Select); coding-DNA position 1588, A replaced by G.
Protein change: p.Ser530Gly; replaces serine 530 with glycine.
Molecular consequence: missense variant.
Genome position (GRCh38, 1-based): chr2:47,024,306, A>G. VCF-style: chr2-47024306-A-G. GRCh37 (hg19) VCF-style: chr2-47251445-A-G.
Other names: c.1588A>G, p.Ser530Gly (NM_001288951.2); c.1486A>G, p.Ser496Gly (NM_001288953.2); c.526A>G, p.Ser176Gly (NM_001288955.2); short protein forms S496G, S176G, S530G.
Identifiers: ClinVar variation 1040203 (VCV001040203.9), dbSNP rs1679634498, ClinGen allele CA346716347.

ClinVar aggregate classification (germline): Uncertain significance (1 of 4 stars; one submission).

Conditions:
Multiple gastrointestinal atresias. Also called: FAMILIAL INTESTINAL POLYATRESIA SYNDROME; Multiple intestinal atresia. Identifiers: Orphanet 2300, MedGen C0220744, MONDO:0009465.

Submission:

Labcorp Genetics (formerly Invitae), Labcorp
Classification: Uncertain significance for Multiple gastrointestinal atresias. Last evaluated: 2024-10-16. Review status: criteria provided, single submitter. Criteria: Invitae Variant Classification Sherloc (09022015). Collection method: clinical testing. Allele origin: germline.
Comment: This sequence change replaces serine, which is neutral and polar, with glycine, which is neutral and non-polar, at codon 530 of the TTC7A protein (p.Ser530Gly). This variant is not present in population databases (gnomAD no frequency). This variant has not been reported in the literature in individuals affected with TTC7A-related conditions. ClinVar contains an entry for this variant (Variation ID: 1040203). Invitae Evidence Modeling of protein sequence and biophysical properties (such as structural, functional, and spatial information, amino acid conservation, physicochemical variation, residue mobility, and thermodynamic stability) indicates that this missense variant is not expected to disrupt TTC7A protein function with a negative predictive value of 80%. In summary, the available evidence is currently insufficient to determine the role of this variant in disease. Therefore, it has been classified as a Variant of Uncertain Significance.